The following is an entry in ClinVar:

ClinVar aggregate classification (germline): Uncertain significance (1 of 4 stars; one submission).

gnomAD v4.1: 1 of 1,613,990 alleles (0.000062%); highest among the groups gnomAD compares: Non-Finnish European, 0.000085%; no homozygotes.

Submission:

Labcorp Genetics (formerly Invitae), Labcorp
Classification: Uncertain significance. Last evaluated: 2025-11-19. Review status: criteria provided, single submitter. Criteria: Invitae Variant Classification Sherloc (09022015). Collection method: clinical testing. Allele origin: germline.
Comment: This sequence change replaces tryptophan, which is neutral and slightly polar, with cysteine, which is neutral and slightly polar, at codon 295 of the MTMR14 protein (p.Trp295Cys). This variant is not present in population databases (gnomAD no frequency). This variant has not been reported in the literature in individuals affected with MTMR14-related conditions. Invitae Evidence Modeling of protein sequence and biophysical properties (such as structural, functional, and spatial information, amino acid conservation, physicochemical variation, residue mobility, and thermodynamic stability) indicates that this missense variant is not expected to disrupt MTMR14 protein function with a negative predictive value of 80%. In summary, the available evidence is currently insufficient to determine the role of this variant in disease. Therefore, it has been classified as a Variant of Uncertain Significance.

NM_001077525.3(MTMR14):c.885G>C (p.Trp295Cys)

Gene: MTMR14 (myotubularin related protein 14; plus strand). Cytogenetic location: 3p25.3.
Variant type: single nucleotide variant.
Coding change: c.885G>C on transcript NM_001077525.3 (MANE Select); coding-DNA position 885, G replaced by C.
Protein change: p.Trp295Cys; replaces tryptophan 295 with cysteine.
Molecular consequence: missense variant. On other transcripts: non-coding transcript variant (4), intron variant (12).
Genome position (GRCh38, 1-based): chr3:9,678,046, G>C. VCF-style: chr3-9678046-G-C. GRCh37 (hg19) VCF-style: chr3-9719730-G-C.
Other names: c.885G>C, p.Trp295Cys (NM_001077526.3, NM_022485.5); c.954G>C, p.Trp318Cys (NM_001400518.1, NM_001400521.1); c.882G>C, p.Trp294Cys (NM_001400519.1, NM_001400522.1); c.639G>C, p.Trp213Cys (NM_001400524.1, NM_001400527.1, NM_001400530.1); c.603G>C, p.Trp201Cys (NM_001400525.1, NM_001400529.1, NM_001400532.1); c.636G>C, p.Trp212Cys (NM_001400531.1); c.243G>C, p.Trp81Cys (NM_001400533.1, NM_001400534.1, NM_001400535.1 and 7 more transcripts); c.891+659G>C (NM_001400526.1); and 5 more; short protein forms W212C, W295C, W81C, W201C, W294C, W213C, W318C.
Identifiers: ClinVar variation 4743242 (VCV004743242.1).